The following is an entry in ClinVar:

ClinVar aggregate classification (germline): Uncertain significance (1 of 4 stars; one submission).

Conditions:
Bloom syndrome (BLM). Also called: Bloom-Torre-Machacek syndrome. Identifiers: Orphanet 125, MedGen C0005859, MONDO:0008876, OMIM 210900.

Allele frequency attached by ClinVar (database versions not stated): gnomAD exomes below 0.00001.
gnomAD v4.1: 1 of 1,614,178 alleles (0.000062%); highest among the groups gnomAD compares: Non-Finnish European, 0.000085%; no homozygotes.

Submission:

Labcorp Genetics (formerly Invitae), Labcorp
Classification: Uncertain significance for Bloom syndrome. Last evaluated: 2019-05-30. Review status: criteria provided, single submitter. Criteria: Invitae Variant Classification Sherloc (09022015). Collection method: clinical testing. Allele origin: germline.
Comment: In summary, the available evidence is currently insufficient to determine the role of this variant in disease. Therefore, it has been classified as a Variant of Uncertain Significance. Algorithms developed to predict the effect of missense changes on protein structure and function (SIFT, PolyPhen-2, Align-GVGD) all suggest that this variant is likely to be tolerated, but these predictions have not been confirmed by published functional studies and their clinical significance is uncertain. This variant has not been reported in the literature in individuals with BLM-related conditions. This variant is not present in population databases (ExAC no frequency). This sequence change replaces glutamine with proline at codon 1178 of the BLM protein (p.Gln1178Pro). The glutamine residue is weakly conserved and there is a moderate physicochemical difference between glutamine and proline.

NM_000057.4(BLM):c.3533A>C (p.Gln1178Pro)

Gene: BLM (BLM RecQ like helicase; plus strand). Cytogenetic location: 15q26.1.
Variant type: single nucleotide variant.
Coding change: c.3533A>C on transcript NM_000057.4 (MANE Select); coding-DNA position 3533, A replaced by C.
Protein change: p.Gln1178Pro; replaces glutamine 1178 with proline.
Molecular consequence: missense variant. On other transcripts: intron variant (1).
Genome position (GRCh38, 1-based): chr15:90,803,695, A>C. VCF-style: chr15-90803695-A-C. GRCh37 (hg19) VCF-style: chr15-91346925-A-C.
Other names: c.3533A>C, p.Gln1178Pro (NM_001287246.2); c.2408A>C, p.Gln803Pro (NM_001287248.2); c.3358+5358A>C (NM_001287247.2); short protein forms Q1178P, Q803P.
Identifiers: ClinVar variation 839458 (VCV000839458.10), dbSNP rs1897220395, ClinGen allele CA393847808.